The following is an entry in ClinVar:

ClinVar aggregate classification (germline): Uncertain significance (1 of 4 stars; one submission).

Conditions:
KBG syndrome (KBGS). Also called: ANKRD11-Related KBG Syndrome. Identifiers: Orphanet 2332, MedGen C0220687, MONDO:0007846, OMIM 148050.

gnomAD v4.1: 2 of 1,614,032 alleles (0.00012%); highest among the groups gnomAD compares: Admixed American, 0.0033%; no homozygotes.

Submission:

Labcorp Genetics (formerly Invitae), Labcorp
Classification: Uncertain significance for KBG syndrome. Last evaluated: 2024-04-30. Review status: criteria provided, single submitter. Criteria: Invitae Variant Classification Sherloc (09022015). Collection method: clinical testing. Allele origin: germline.
Comment: This sequence change replaces threonine, which is neutral and polar, with arginine, which is basic and polar, at codon 1746 of the ANKRD11 protein (p.Thr1746Arg). This variant is not present in population databases (gnomAD no frequency). This variant has not been reported in the literature in individuals affected with ANKRD11-related conditions. ClinVar contains an entry for this variant (Variation ID: 2137567). Advanced modeling of protein sequence and biophysical properties (such as structural, functional, and spatial information, amino acid conservation, physicochemical variation, residue mobility, and thermodynamic stability) performed at Invitae indicates that this missense variant is not expected to disrupt ANKRD11 protein function with a negative predictive value of 95%. In summary, the available evidence is currently insufficient to determine the role of this variant in disease. Therefore, it has been classified as a Variant of Uncertain Significance.

NM_013275.6(ANKRD11):c.5237C>G (p.Thr1746Arg)

Gene: ANKRD11 (ankyrin repeat domain 11; minus strand). Cytogenetic location: 16q24.3.
Variant type: single nucleotide variant.
Coding change: c.5237C>G on transcript NM_013275.6 (MANE Select); coding-DNA position 5237, C replaced by G.
Protein change: p.Thr1746Arg; replaces threonine 1746 with arginine.
Molecular consequence: missense variant.
Genome position (GRCh38, 1-based): chr16:89,281,305, G>C on the plus strand (C>G on the coding strand, the complement: ANKRD11 is on the minus strand). VCF-style: chr16-89281305-G-C. GRCh37 (hg19) VCF-style: chr16-89347713-G-C.
Other names: c.5237C>G, p.Thr1746Arg (NM_001256182.2, NM_001256183.2); short protein forms T1746R.
Identifiers: ClinVar variation 2137567 (VCV002137567.4), dbSNP rs561668093, ClinGen allele CA397155045.
Genomic context (GRCh38, chr16:89,281,305, plus strand): 5'-ACGGAGAACCTGTCGAAAAAGGAGGGGGAGCAGGCGCTGGTGGGAGCGGTGGGCACGGGC[G>C]TGGAGTGCTGCGAGTCGGCGCAGTCGAACACGAGGTCCGCGTAGTCATCGGCGCTGCAGG-3'
Protein context (NP_037407.4, residues 1736-1756): VFDCADSQHS[Thr1746Arg]PVPTAPTSAC